The following is an entry in ClinVar:

NM_021922.3(FANCE):c.1591T>A (p.Leu531Met)

Gene: FANCE (FA complementation group E; plus strand). Cytogenetic location: 6p21.31.
Variant type: single nucleotide variant.
Coding change: c.1591T>A on transcript NM_021922.3 (MANE Select); coding-DNA position 1591, T replaced by A.
Protein change: p.Leu531Met; replaces leucine 531 with methionine.
Molecular consequence: missense variant.
Genome position (GRCh38, 1-based): chr6:35,466,325, T>A. VCF-style: chr6-35466325-T-A. GRCh37 (hg19) VCF-style: chr6-35434102-T-A.
Other names: short protein forms L531M.
Identifiers: ClinVar variation 471923 (VCV000471923.8), dbSNP rs147390386, ClinGen allele CA3771761.

ClinVar aggregate classification (germline): Uncertain significance. Review status: criteria provided, multiple submitters, no conflicts (2 of 4 stars). 4 submissions from 4 submitters: Uncertain significance (4). Last evaluated 2025-03-10.

Conditions:
FANCE-related disorder. Also called: FANCE-related condition.
Fanconi anemia complementation group E (FANCE). Also called: FANCE-Related Fanconi Anemia. Identifiers: Orphanet 84, MedGen C3160739, MONDO:0010953, OMIM 600901.

Allele frequency attached by ClinVar (database versions not stated): gnomAD exomes 0.00001 and 0.00006; ExAC 0.00009; gnomAD 0.00017 and 0.00019; TOPMed 0.00021; ESP Exome Variant Server 0.00023.
gnomAD v4.1: 51 of 1,613,070 alleles (0.0032%); highest among the groups gnomAD compares: African/African-American, 0.049%; no homozygotes.

Submissions (4):

GeneDx
Classification: Uncertain significance. Last evaluated: 2025-03-10. Review status: criteria provided, single submitter. Criteria: GeneDx Variant Classification Process June 2021. Collection method: clinical testing. Allele origin: germline. Affected: yes.
Comment: In silico analysis indicates that this missense variant does not alter protein structure/function; Has not been previously published as pathogenic or benign to our knowledge

Labcorp Genetics (formerly Invitae), Labcorp
Classification: Uncertain significance for Fanconi anemia complementation group E. Last evaluated: 2024-12-20. Review status: criteria provided, single submitter. Criteria: Invitae Variant Classification Sherloc (09022015). Collection method: clinical testing. Allele origin: germline.
Comment: This sequence change replaces leucine, which is neutral and non-polar, with methionine, which is neutral and non-polar, at codon 531 of the FANCE protein (p.Leu531Met). This variant is present in population databases (rs147390386, gnomAD 0.06%). This variant has not been reported in the literature in individuals affected with FANCE-related conditions. ClinVar contains an entry for this variant (Variation ID: 471923). Invitae Evidence Modeling of protein sequence and biophysical properties (such as structural, functional, and spatial information, amino acid conservation, physicochemical variation, residue mobility, and thermodynamic stability) indicates that this missense variant is expected to disrupt FANCE protein function with a positive predictive value of 80%. In summary, the available evidence is currently insufficient to determine the role of this variant in disease. Therefore, it has been classified as a Variant of Uncertain Significance.

Fulgent Genetics
Classification: Uncertain significance for Fanconi anemia complementation group E. Last evaluated: 2024-04-15. Review status: criteria provided, single submitter. Criteria: ACMG Guidelines, 2015. Collection method: clinical testing. Allele origin: germline.

PreventionGenetics, part of Exact Sciences
Classification: Uncertain significance for FANCE-related condition. Last evaluated: 2023-09-22. Review status: criteria provided, single submitter. Criteria: ACMG Guidelines, 2015. Collection method: clinical testing. Allele origin: germline.
Comment: The FANCE c.1591T>A variant is predicted to result in the amino acid substitution p.Leu531Met. To our knowledge, this variant has not been reported in the literature. This variant is reported in 0.064% of alleles in individuals of African descent in gnomAD. Although we suspect that this variant may be benign, at this time, the clinical significance of this variant is uncertain due to the absence of conclusive functional and genetic evidence.